The following is an entry in ClinVar:

NM_001199107.2(TBC1D24):c.800A>G (p.Gln267Arg)

Gene: TBC1D24 (TBC1 domain family member 24; plus strand). Cytogenetic location: 16p13.3.
Variant type: single nucleotide variant.
Coding change: c.800A>G on transcript NM_001199107.2 (MANE Select); coding-DNA position 800, A replaced by G.
Protein change: p.Gln267Arg; replaces glutamine 267 with arginine.
Molecular consequence: missense variant.
Genome position (GRCh38, 1-based): chr16:2,496,948, A>G. VCF-style: chr16-2496948-A-G. GRCh37 (hg19) VCF-style: chr16-2546949-A-G.
Other names: c.800A>G, p.Gln267Arg (NM_020705.3); short protein forms Q267R.
Identifiers: ClinVar variation 1485406 (VCV001485406.22), dbSNP rs1004946712, ClinGen allele CA276809635.
Genomic context (GRCh38, chr16:2,496,948, plus strand): 5'-TCCTCAAGTTCTTCCACAAGGTGAGGGCCGGGCAGCCGCTGGAGTCGGACAGCGTGAAGC[A>G]GGACATCCGCACGTTCGTCAGAGACATCGCGAAGACGGTGTCCCCTGAGAAGCTGCTGGA-3'
Protein context (NP_001186036.1, residues 257-277): GQPLESDSVK[Gln267Arg]DIRTFVRDIA

ClinVar aggregate classification (germline): Uncertain significance. Review status: criteria provided, multiple submitters, no conflicts (2 of 4 stars). 2 submissions from 2 submitters: Uncertain significance (2). Last evaluated 2024-11-01.

Conditions:
Autosomal dominant nonsyndromic hearing loss 65. Also called: TBC1D24-Related Autosomal Dominant Nonsyndromic Hearing Loss (DFNA); Deafness, autosomal dominant 65. Identifiers: Orphanet 90635, MedGen C3892048, MONDO:0014470, OMIM 616044.
Developmental and epileptic encephalopathy, 1 (DEE1). Also called: X-linked infantile spasms; West's syndrome; Tonic spasms with clustering, arrest of psychomotor development and hypsarrhythmia on EEG; X-Linked Infantile Spasm Syndrome; OHTAHARA SYNDROME, X-LINKED; INFANTILE SPASM SYNDROME, X-LINKED 1. Identifiers: MedGen C3463992, MONDO:0010632, OMIM 308350. Disease mechanism: loss of function.

Allele frequency attached by ClinVar (database versions not stated): gnomAD exomes below 0.00001 and 0.00001; gnomAD 0.00001; TOPMed 0.00002.
gnomAD v4.1: 14 of 1,613,920 alleles (0.00087%); highest among the groups gnomAD compares: Non-Finnish European, 0.0011%; no homozygotes.

Submissions (2):

CeGaT Center for Human Genetics Tuebingen
Classification: Uncertain significance. Last evaluated: 2024-11-01. Review status: criteria provided, single submitter. Criteria: CeGaT Center For Human Genetics Tuebingen Variant Classification Criteria Version 2. Collection method: clinical testing. Allele origin: germline. Affected: yes. Observed: 1 variant allele.
Comment: TBC1D24: PM2, BP4

Labcorp Genetics (formerly Invitae), Labcorp
Classification: Uncertain significance for Developmental and epileptic encephalopathy, 1; Autosomal dominant nonsyndromic hearing loss 65. Last evaluated: 2021-01-13. Review status: criteria provided, single submitter. Criteria: Invitae Variant Classification Sherloc (09022015). Collection method: clinical testing. Allele origin: germline.
Comment: This variant has not been reported in the literature in individuals with TBC1D24-related conditions. In summary, the available evidence is currently insufficient to determine the role of this variant in disease. Therefore, it has been classified as a Variant of Uncertain Significance. Advanced modeling of protein sequence and biophysical properties (such as structural, functional, and spatial information, amino acid conservation, physicochemical variation, residue mobility, and thermodynamic stability) performed at Invitae indicates that this missense variant is not expected to disrupt TBC1D24 protein function. This variant is not present in population databases (ExAC no frequency). This sequence change replaces glutamine with arginine at codon 267 of the TBC1D24 protein (p.Gln267Arg). The glutamine residue is moderately conserved and there is a small physicochemical difference between glutamine and arginine.